The following is an entry in ClinVar:

NM_004655.4(AXIN2):c.555T>C (p.Asn185=)

Gene: AXIN2 (axin 2; minus strand). Cytogenetic location: 17q24.1.
Variant type: single nucleotide variant.
Coding change: c.555T>C on transcript NM_004655.4 (MANE Select); coding-DNA position 555, T replaced by C.
Protein change: p.Asn185=; no amino-acid change (asparagine 185 retained).
Molecular consequence: synonymous variant.
Genome position (GRCh38, 1-based): chr17:65,558,066, A>G on the plus strand (T>C on the coding strand, the complement: AXIN2 is on the minus strand). VCF-style: chr17-65558066-A-G. GRCh37 (hg19) VCF-style: chr17-63554184-A-G.
Other names: c.555T>C, p.Asn185= (NM_001363813.1).
Identifiers: ClinVar variation 1748300 (VCV001748300.3), dbSNP rs2544249587, ClinGen allele CA501691742.
Genomic context (GRCh38, chr17:65,558,066, plus strand): 5'-TTCTCCCCCACTCCTCACATATTCGAGGTATATATCAGAAGTCAAAAACATCTGGTAGGC[A>G]TTTTCCTCCATCACCGACTGGATCTCGGTCTGCGCCTGGTCAAACATGATGGAATCAATC-3'
Protein context (NP_004646.3, residues 175-195): QTEIQSVMEE[Asn185=]AYQMFLTSDI

ClinVar aggregate classification (germline): Benign/Likely benign. Review status: criteria provided, multiple submitters, no conflicts (2 of 4 stars). 2 submissions from 2 submitters: Benign (1); Likely benign (1). Last evaluated 2024-06-26.

Conditions:
Hereditary cancer-predisposing syndrome. Also called: Hereditary Cancer Syndrome; Hereditary neoplastic syndrome; Neoplastic Syndromes, Hereditary; Tumor predisposition. Identifiers: Orphanet 140162, MedGen C0027672, MeSH D009386, MONDO:0015356.
Oligodontia-cancer predisposition syndrome. Also called: TOOTH AGENESIS-COLORECTAL CANCER SYNDROME. Identifiers: Orphanet 300576, MedGen C1837750, MONDO:0012075, OMIM 608615. Disease mechanism: loss of function.

Submissions (2):

Myriad Genetics, Inc.
Classification: Benign for Oligodontia-cancer predisposition syndrome. Last evaluated: 2024-06-26. Review status: criteria provided, single submitter. Criteria: Myriad Autosomal Dominant, Autosomal Recessive and X-Linked Classification Criteria (2023). Collection method: clinical testing. Allele origin: unknown.
Comment: This variant is considered benign. This variant is a silent/synonymous amino acid change and it is not expected to impact splicing.

Ambry Genetics
Classification: Likely benign for Hereditary cancer-predisposing syndrome. Last evaluated: 2021-03-02. Review status: criteria provided, single submitter. Criteria: Ambry Variant Classification Scheme 2023. Collection method: clinical testing. Allele origin: germline.